The following is an entry in ClinVar:

ClinVar aggregate classification (germline): Uncertain significance. Review status: criteria provided, multiple submitters, no conflicts (2 of 4 stars). 2 submissions from 2 submitters: Uncertain significance (2). Last evaluated 2024-04-20.

Conditions:
Arrhythmogenic right ventricular dysplasia 13. Also called: ARRHYTHMOGENIC RIGHT VENTRICULAR CARDIOMYOPATHY 13; Arrhythmogenic right ventricular dysplasia, familial, 13. Identifiers: MedGen C3810138, MONDO:0000908, OMIM 615616.

Allele frequency attached by ClinVar (database versions not stated): TOPMed 0.00001.

Submissions (2):

Ambry Genetics
Classification: Uncertain significance. Last evaluated: 2024-04-20. Review status: criteria provided, single submitter. Criteria: Ambry Variant Classification Scheme 2023. Collection method: clinical testing. Allele origin: germline.
Comment: The p.F154S variant (also known as c.461T>C), located in coding exon 4 of the CTNNA3 gene, results from a T to C substitution at nucleotide position 461. The phenylalanine at codon 154 is replaced by serine, an amino acid with highly dissimilar properties. This amino acid position is conserved. In addition, the in silico prediction for this alteration is inconclusive. Based on the available evidence, the clinical significance of this variant remains unclear.

Labcorp Genetics (formerly Invitae), Labcorp
Classification: Uncertain significance for Arrhythmogenic right ventricular dysplasia 13. Last evaluated: 2022-11-09. Review status: criteria provided, single submitter. Criteria: Invitae Variant Classification Sherloc (09022015). Collection method: clinical testing. Allele origin: germline.
Comment: This sequence change replaces phenylalanine, which is neutral and non-polar, with serine, which is neutral and polar, at codon 154 of the CTNNA3 protein (p.Phe154Ser). This variant is not present in population databases (gnomAD no frequency). This variant has not been reported in the literature in individuals affected with CTNNA3-related conditions. Algorithms developed to predict the effect of missense changes on protein structure and function (SIFT, PolyPhen-2, Align-GVGD) all suggest that this variant is likely to be tolerated. In summary, the available evidence is currently insufficient to determine the role of this variant in disease. Therefore, it has been classified as a Variant of Uncertain Significance.

NM_013266.4(CTNNA3):c.461T>C (p.Phe154Ser)

Gene: CTNNA3 (catenin alpha 3; minus strand). Cytogenetic location: 10q21.3.
Variant type: single nucleotide variant.
Coding change: c.461T>C on transcript NM_013266.4 (MANE Select); coding-DNA position 461, T replaced by C.
Protein change: p.Phe154Ser; replaces phenylalanine 154 with serine.
Molecular consequence: missense variant.
Genome position (GRCh38, 1-based): chr10:67,521,960, A>G on the plus strand (T>C on the coding strand, the complement: CTNNA3 is on the minus strand). VCF-style: chr10-67521960-A-G. GRCh37 (hg19) VCF-style: chr10-69281718-A-G.
Other names: c.461T>C (NM_013266.2); c.461T>C, p.Phe154Ser (NM_001127384.3); c.497T>C, p.Phe166Ser (NM_001291133.2); short protein forms F154S, F166S.
Identifiers: ClinVar variation 2905208 (VCV002905208.4), dbSNP rs1260265238, ClinGen allele CA377097687.